The following is an entry in ClinVar:

NM_001035.3(RYR2):c.13261-18C>T

Gene: RYR2 (ryanodine receptor 2; plus strand). Cytogenetic location: 1q43.
Variant type: single nucleotide variant.
Coding change: c.13261-18C>T on transcript NM_001035.3 (MANE Select); 18 bases into the intron before coding-DNA position 13261, C replaced by T.
Molecular consequence: intron variant.
Genome position (GRCh38, 1-based): chr1:237,785,951, C>T. VCF-style: chr1-237785951-C-T. GRCh37 (hg19) VCF-style: chr1-237949251-C-T.
Other names: c.13261-18C>T (LRG_402t1).
Identifiers: ClinVar variation 383211 (VCV000383211.12), dbSNP rs376854613, ClinGen allele CA085323.

ClinVar aggregate classification (germline): Benign/Likely benign. Review status: criteria provided, multiple submitters, no conflicts (2 of 4 stars). 4 submissions from 4 submitters: Benign (2); Likely benign (2). Last evaluated 2026-01-26.

Conditions:
Catecholaminergic polymorphic ventricular tachycardia 1. Also called: VENTRICULAR TACHYCARDIA, CATECHOLAMINERGIC POLYMORPHIC, 1, WITH OR WITHOUT ATRIAL DYSFUNCTION AND/OR DILATED CARDIOMYOPATHY; RYR2-Related Catecholaminergic Polymorphic Ventricular Tachycardia; VENTRICULAR TACHYCARDIA, STRESS-INDUCED POLYMORPHIC 1. Identifiers: Orphanet 3286, MedGen C1631597, MONDO:0011484, OMIM 604772.

Allele frequency attached by ClinVar (database versions not stated): gnomAD exomes 0.00005 and 0.00009; ExAC 0.00017; gnomAD 0.00041 and 0.00046; ESP Exome Variant Server 0.00050; TOPMed 0.00051.
gnomAD v4.1: 139 of 1,564,052 alleles (0.0089%); highest among the groups gnomAD compares: African/African-American, 0.12%; no homozygotes.

Submissions (4):

Labcorp Genetics (formerly Invitae), Labcorp
Classification: Benign for Catecholaminergic polymorphic ventricular tachycardia 1. Last evaluated: 2026-01-26. Review status: criteria provided, single submitter. Criteria: Invitae Variant Classification Sherloc (09022015). Collection method: clinical testing. Allele origin: germline.

Women's Health and Genetics/Laboratory Corporation of America, LabCorp
Classification: Benign. Last evaluated: 2024-03-11. Review status: criteria provided, single submitter. Criteria: LabCorp Variant Classification Summary - May 2015. Collection method: clinical testing. Allele origin: germline.

Blueprint Genetics
Classification: Likely benign. Last evaluated: 2023-12-14. Review status: criteria provided, single submitter. Criteria: ACMG Guidelines, 2015. Collection method: clinical testing. Allele origin: germline.

GeneDx
Classification: Likely benign. Last evaluated: 2016-01-26. Review status: criteria provided, single submitter. Criteria: GeneDx Variant Classification (06012015). Collection method: clinical testing. Allele origin: germline. Affected: yes.
Comment: This variant is considered likely benign or benign based on one or more of the following criteria: it is a conservative change, it occurs at a poorly conserved position in the protein, it is predicted to be benign by multiple in silico algorithms, and/or has population frequency not consistent with disease.